The following is an entry in ClinVar:

ClinVar aggregate classification (germline): Uncertain significance. Review status: criteria provided, multiple submitters, no conflicts (2 of 4 stars). 2 submissions from 2 submitters: Uncertain significance (2). Last evaluated 2024-11-14.

Conditions:
Episodic ataxia type 2 (EA2). Also called: ATAXIA, EPISODIC, WITH NYSTAGMUS; ATAXIA, FAMILIAL PAROXYSMAL; ACETAZOLAMIDE-RESPONSIVE HEREDITARY PAROXYSMAL CEREBELLAR ATAXIA; CEREBELLAR ATAXIA, PAROXYSMAL, ACETAZOLAMIDE-RESPONSIVE; CEREBELLOPATHY, HEREDITARY PAROXYSMAL; EPISODIC ATAXIA, NYSTAGMUS-ASSOCIATED. Identifiers: Orphanet 97, MedGen C1720416, MONDO:0007163, OMIM 108500.
Developmental and epileptic encephalopathy, 42 (DEE42A). Also called: Epileptic encephalopathy, early infantile, 42; DEVELOPMENTAL AND EPILEPTIC ENCEPHALOPATHY 42A; EPILEPTIC ENCEPHALOPATHY, EARLY INFANTILE, 42A. Identifiers: MedGen C4310716, MONDO:0014917, OMIM 617106.

gnomAD v4.1: 1 of 1,613,230 alleles (0.000062%); highest among the groups gnomAD compares: South Asian, 0.0011%; no homozygotes.

Submissions (2):

GeneDx
Classification: Uncertain significance. Last evaluated: 2024-11-14. Review status: criteria provided, single submitter. Criteria: GeneDx Variant Classification Process June 2021. Collection method: clinical testing. Allele origin: germline. Affected: yes.
Comment: Not observed at significant frequency in large population cohorts (gnomAD); In silico analysis supports that this missense variant has a deleterious effect on protein structure/function; Has not been previously published as pathogenic or benign to our knowledge

Labcorp Genetics (formerly Invitae), Labcorp
Classification: Uncertain significance for Developmental and epileptic encephalopathy, 42; Episodic ataxia type 2. Last evaluated: 2024-07-31. Review status: criteria provided, single submitter. Criteria: Invitae Variant Classification Sherloc (09022015). Collection method: clinical testing. Allele origin: germline.
Comment: This sequence change replaces aspartic acid, which is acidic and polar, with glutamic acid, which is acidic and polar, at codon 1940 of the CACNA1A protein (p.Asp1940Glu). This variant is not present in population databases (gnomAD no frequency). This variant has not been reported in the literature in individuals affected with CACNA1A-related conditions. Advanced modeling of protein sequence and biophysical properties (such as structural, functional, and spatial information, amino acid conservation, physicochemical variation, residue mobility, and thermodynamic stability) performed at Invitae indicates that this missense variant is not expected to disrupt CACNA1A protein function with a negative predictive value of 95%. In summary, the available evidence is currently insufficient to determine the role of this variant in disease. Therefore, it has been classified as a Variant of Uncertain Significance.

NM_001127222.2(CACNA1A):c.5817C>A (p.Asp1939Glu)

Gene: CACNA1A (calcium voltage-gated channel subunit alpha1 A; minus strand). Cytogenetic location: 19p13.13.
Variant type: single nucleotide variant.
Coding change: c.5817C>A on transcript NM_001127222.2 (MANE Select); coding-DNA position 5817, C replaced by A.
Protein change: p.Asp1939Glu; replaces aspartic acid 1939 with glutamic acid.
Molecular consequence: missense variant.
Genome position (GRCh38, 1-based): chr19:13,214,523, G>T on the plus strand (C>A on the coding strand, the complement: CACNA1A is on the minus strand). VCF-style: chr19-13214523-G-T. GRCh37 (hg19) VCF-style: chr19-13325337-G-T.
Other names: c.5835C>A, p.Asp1945Glu (NM_000068.4, NM_023035.3); c.5820C>A, p.Asp1940Glu (NM_001127221.2); c.5826C>A, p.Asp1942Glu (NM_001174080.2); short protein forms D1939E, D1940E, D1942E, D1945E.
Identifiers: ClinVar variation 3752190 (VCV003752190.3).